The following is an entry in ClinVar:

NM_033056.4(PCDH15):c.4851_4854del (p.Asn1617fs)

Gene: PCDH15 (protocadherin related 15; minus strand). Cytogenetic location: 10q21.1.
Variant type: Microsatellite.
Coding change: c.4851_4854del on transcript NM_033056.4 (MANE Plus Clinical); coding-DNA positions 4851 to 4854, 4 bases deleted (CAAA; older notation c.4851_4854delCAAA).
Protein change: p.Asn1617fs; shifts the reading frame from asparagine 1617.
Molecular consequence: frameshift variant. On other transcripts: intron variant (8).
Genome position (GRCh38, 1-based): chr10:53,822,872-53,822,875, TTTG deleted on the plus strand (CAAA on the coding strand, the reverse complement: PCDH15 is on the minus strand); deleting any 4 consecutive bases within chr10:53,822,872-53,822,880 gives the same sequence; the c. name uses the placement nearest the transcript's 3' end. VCF-style (leftmost placement, unchanged base first): chr10-53822871-TTTTG-T. GRCh37 (hg19) VCF-style: chr10-55582631-TTTTG-T.
Other names: c.4872_4875del, p.Asn1624fs (NM_001142763.2); c.4857_4860del, p.Asn1619fs (NM_001142764.2); c.4644_4647del, p.Asn1548fs (NM_001142765.2); c.4842_4845del, p.Asn1614fs (NM_001142766.2); c.4731_4734del, p.Asn1577fs (NM_001142767.2); c.4791_4794del, p.Asn1597fs (NM_001142768.2); c.4782_4785del, p.Asn1594fs (NM_001142773.2); c.4785_4788del, p.Asn1595fs (NM_001354404.2); and 6 more; short protein forms N1548fs, N1577fs, N1594fs, N1595fs, N1597fs, N1614fs, N1617fs, N1619fs.
Identifiers: ClinVar variation 2630179 (VCV002630179.2), dbSNP rs778355226, ClinGen allele CA5505177.

ClinVar aggregate classification (germline): Uncertain significance (0 of 4 stars; one submission).

Conditions:
PCDH15-related disorder. Also called: PCDH15-related disorders; PCDH15-related condition.

Submission:

PreventionGenetics, part of Exact Sciences
Classification: Uncertain significance for PCDH15-related condition. Last evaluated: 2024-08-29. Review status: no assertion criteria provided. Collection method: clinical testing. Allele origin: germline.
Comment: The PCDH15 c.4851_4854delCAAA variant is predicted to result in a frameshift and premature protein termination (p.Asn1617Lysfs*16). To our knowledge, this variant has not been reported in the literature. This variant is reported in 0.00088% of alleles in individuals of European (Non-Finnish) descent in gnomAD. This variant occurs in the last exon of the PCDH15 alternatively spliced transcript known as CD1 (NM_033056), but this exon is not required for proper inner ear hair cell function and maintenance of hearing and is not included in the biologically relevant transcript for hearing loss known as CD2 (NM_001142769; Webb et al. 2011. PubMed ID: 21427143; Pepermans et al. 2014. PubMed ID: 24940003). Furthermore, loss of function variants in this exon of CD1 have been shown to occur at population frequencies inconsistent with pathogenicity (Perreault-Micale et al. 2014. PubMed ID: 25307757). This variant is interpreted as suspected benign.